The following is an entry in ClinVar:

NM_001034116.2(EIF2B4):c.728C>T (p.Pro243Leu)

Genes: EIF2B4 (eukaryotic translation initiation factor 2B subunit delta; minus strand), GTF3C2-AS2 (GTF3C2 antisense RNA 2; plus strand). Cytogenetic location: 2p23.3.
Variant type: single nucleotide variant.
Coding change: c.728C>T on transcript NM_001034116.2 (MANE Select); coding-DNA position 728, C replaced by T.
Protein change: p.Pro243Leu; replaces proline 243 with leucine.
Molecular consequence: missense variant.
Genome position (GRCh38, 1-based): chr2:27,367,800, G>A on the plus strand (C>T on the coding strand, the complement: EIF2B4 is on the minus strand). VCF-style: chr2-27367800-G-A. GRCh37 (hg19) VCF-style: chr2-27590667-G-A.
Other names: c.791C>T, p.Pro264Leu (NM_001318965.2); c.683C>T, p.Pro228Leu (NM_001318966.2); c.635C>T, p.Pro212Leu (NM_001318967.2); c.143C>T, p.Pro48Leu (NM_001318968.2); c.110C>T, p.Pro37Leu (NM_001318969.2); c.725C>T, p.Pro242Leu (NM_015636.4); c.788C>T, p.Pro263Leu (NM_172195.4); short protein forms P242L, P243L, P264L, P48L, P212L, P37L, P228L, P263L.
Identifiers: ClinVar variation 420062 (VCV000420062.16), dbSNP rs113994030, ClinGen allele CA1576800.

ClinVar aggregate classification (germline): Pathogenic/Likely pathogenic. Review status: criteria provided, multiple submitters, no conflicts (2 of 4 stars). 8 submissions from 8 submitters: Pathogenic (5); Likely pathogenic (3). Last evaluated 2026-01-30.

Conditions:
Leukoencephalopathy with vanishing white matter 4 (VWM4). Also called: Leukoencephalopathy with vanishing white matter 4, with or without ovarian failure; EIF2B4-Related Childhood Ataxia with Central Nervous System Hypomyelination/Vanishing White Matter. Identifiers: MedGen C5830406, MONDO:0957872, OMIM 620314.
EIF2B4-related disorder. Also called: EIF2B4-related condition.
Leukoencephalopathy with vanishing white matter 1 (VWM1). Also called: CHILDHOOD ATAXIA WITH CENTRAL NERVOUS SYSTEM HYPOMYELINIZATION; Cree leukoencephalopathy; EIF2B1-Related Childhood Ataxia with Central Nervous System Hypomyelination/Vanishing White Matter; Vanishing white matter leukodystrophy. Identifiers: Orphanet 99854, MedGen C5779972, MONDO:0020507, OMIM 603896.
Vanishing white matter disease. Also called: Childhood ataxia with diffuse central nervous system hypomyelination; Leukoencephalopathy with vanishing white matter; CACH/VWM syndrome; Cree leukoencehalopathy; CACH syndrome. Identifiers: Orphanet 135, Orphanet 99853, MedGen C1858991, MONDO:0800448.

Allele frequency attached by ClinVar (database versions not stated): ExAC 0.00001; gnomAD 0.00001; gnomAD exomes 0.00002 and 0.00008; TOPMed 0.00002; ESP Exome Variant Server 0.00015.
gnomAD v4.1: 123 of 1,613,922 alleles (0.0076%); highest among the groups gnomAD compares: Non-Finnish European, 0.01%; no homozygotes.

Submissions (8):

Labcorp Genetics (formerly Invitae), Labcorp
Classification: Likely pathogenic. Last evaluated: 2026-01-30. Review status: criteria provided, single submitter. Criteria: Invitae Variant Classification Sherloc (09022015). Collection method: clinical testing. Allele origin: germline.
Comment: This sequence change replaces proline, which is neutral and non-polar, with leucine, which is neutral and non-polar, at codon 242 of the EIF2B4 protein (p.Pro242Leu). This variant is present in population databases (rs113994030, gnomAD 0.004%). This missense change has been observed in individuals with leukoencephalopathy with vanishing white matter (PMID: 15136673, 32071834, 39139316). This variant is also known as p.Pro243Leu and c.791C>T (p.Pro264Leu). ClinVar contains an entry for this variant (Variation ID: 420062). An algorithm developed to predict the effect of missense changes on protein structure and function (PolyPhen-2) suggests that this variant is likely to be disruptive. In summary, the currently available evidence indicates that the variant is pathogenic, but additional data are needed to prove that conclusively. Therefore, this variant has been classified as Likely Pathogenic.

3billion
Classification: Pathogenic for Leukoencephalopathy with vanishing white matter 4. Last evaluated: 2025-12-17. Review status: criteria provided, single submitter. Criteria: ACMG Guidelines, 2015. Collection method: clinical testing. Allele origin: germline. Affected: yes.
Comment: The variant is observed at an extremely low frequency in the gnomAD v4.1.0 dataset (total allele frequency: 0.008%). Predicted Consequence/Location: Missense variant Functional studies provide moderate evidence of the variant having a damaging effect on the gene or gene product (PMID: 20016818). In silico tool predictions suggest damaging effect of the variant on gene or gene product [REVEL: 0.83 (>=0.6, sensitivity 0.68 and specificity 0.92); 3Cnet: 0.90 (> 0.75, sensitivity 0.96 and precision 0.92)]. The same nucleotide change resulting in the same amino acid change has been previously reported as pathogenic/likely pathogenic with strong evidence (ClinVar ID: VCV000420062 /PMID: 15136673). The variant has been reported to be in trans with a pathogenic variant as either compound heterozygous or homozygous in at least one similarly affected unrelated individual (PMID: 15136673). Therefore, this variant is classified as Pathogenic according to the recommendation of ACMG/AMP guideline.

PreventionGenetics, part of Exact Sciences
Classification: Pathogenic for EIF2B4-related condition. Last evaluated: 2025-02-11. Review status: criteria provided, single submitter. Criteria: ACMG Guidelines, 2015. Collection method: clinical testing. Allele origin: germline.
Comment: The EIF2B4 c.728C>T variant is predicted to result in the amino acid substitution p.Pro243Leu. This variant has been reported in both the homozygous and compound heterozygous state in several individuals with leukoencephalopathy with vanishing white matter-4 (Table 1, Fogli et al. 2004. PubMed ID: 15136673; referred to as c.725C>T, p.Pro242Leu in Bursle et al. 2019. PubMed ID: 32071834; Table S2, Slynko et al. 2021. PubMed ID: 33432707). Functional studies showed the p.Pro243Leu variant results in 40% to 80% reduced EIF2B4 activity in homozygous cell lines (Table 1, Horzinski et al. 2009. PubMed ID: 20016818). This variant is located within the highly conserved IF-2B domain of the EIF2B4 protein (Bursle et al. 2019. PubMed ID: 32071834). This variant is reported in 0.0040% of alleles in individuals of African descent in gnomAD. This variant is interpreted as pathogenic.

Blueprint Genetics
Classification: Pathogenic for EIF2B4-related disorders. Last evaluated: 2024-11-04. Review status: criteria provided, single submitter. Criteria: ACMG Guidelines, 2015. Collection method: clinical testing. Allele origin: germline. Affected: yes. Observed: 4 variant alleles.

Revvity Omics, Revvity
Classification: Likely pathogenic for Leukoencephalopathy with vanishing white matter 4. Last evaluated: 2024-04-24. Review status: criteria provided, single submitter. Criteria: ACMG Guidelines, 2015. Collection method: clinical testing. Allele origin: germline.

Women's Health and Genetics/Laboratory Corporation of America, LabCorp
Classification: Pathogenic for Vanishing white matter disease. Last evaluated: 2022-09-22. Review status: criteria provided, single submitter. Criteria: LabCorp Variant Classification Summary - May 2015. Collection method: clinical testing. Allele origin: germline.
Comment: Variant summary: EIF2B4 c.725C>T (p.Pro242Leu) results in a non-conservative amino acid change in the encoded protein sequence. Five of five in-silico tools predict a damaging effect of the variant on protein function. The variant allele was found at a frequency of 2e-05 in 251478 control chromosomes. c.725C>T has been reported in the literature as homozygous and compound heterozygous genotypes in multiple individuals affected with features of Leukoencephalopathy With Vanishing White Matter (example, Maletkovic_2008, Horzinski_2009, Slynko_2021). These data indicate that the variant is very likely to be associated with disease. At least one publication reports experimental evidence evaluating an impact on protein function. The most pronounced variant effect results in approximately 54% of normal eIF2B GEF activity in transformed lymphocytes from a homozygous individual (Horzinski_2009) when the activity threshold was set at </=77.5%. Three clinical diagnostic laboratories have submitted clinical-significance assessments for this variant to ClinVar after 2014 without evidence for independent evaluation. All laboratories classified the variant as pathogenic/likely pathogenic. Based on the evidence outlined above, the variant was classified as pathogenic.

Victorian Clinical Genetics Services, Murdoch Childrens Research Institute
Classification: Pathogenic for Leukoencephalopathy with vanishing white matter 1. Last evaluated: 2022-06-24. Review status: criteria provided, single submitter. Criteria: ACMG Guidelines, 2015. Collection method: clinical testing. Allele origin: germline. Inheritance: Autosomal recessive inheritance. Affected: yes.
Comment: Based on the classification scheme VCGS_Germline_v1.3.4, this variant is classified as Pathogenic. Following criteria are met: 0102 - Loss of function is a reported mechanism of disease in this gene and is associated with leukoencephalopathy with vanishing white matter (MIM#603896). (I) 0106 - This gene is associated with autosomal recessive disease. (I) 0115 - Variants in this gene are known to have variable expressivity (PMIDs: 16998732, 35389136). (I) 0200 - Variant is predicted to result in a missense amino acid change from proline to leucine. (I) 0251 - This variant is heterozygous. (I) 0304 - Variant is present in gnomAD <0.01 for a recessive condition (v2: 6 heterozygotes, 0 homozygotes). (SP) 0501 - Missense variant consistently predicted to be damaging by multiple in silico tools or highly conserved with a major amino acid change. (SP) 0600 - Variant is located in the annotated initiation factor 2 subunit domain (DECIPHER). (I) 0801 - This variant has strong previous evidence of pathogenicity in unrelated individuals. It was regarded as likely pathogenic in ClinVar and detected in multiple homozygous and compound heterozygous individuals with leukodystrophy (PMIDs: 15136673, 32071834). (SP) 1002 - This variant has moderate functional evidence supporting abnormal protein function. Patient’s EBV-transformed lymphocytes presented a decrease to 45 to 80% of elF2B GEF activity (PMID: 20016818). (SP) 1201 - Heterozygous variant detected in trans with a second likely pathogenic heterozygous variant (NM_001034116.1(EIF2B4):c.631G>T; p.(Gly211Cys)) in a recessive disease. (I) Legend: (SP) - Supporting pathogenic, (I) - Information, (SB) - Supporting benign

GeneDx
Classification: Likely pathogenic. Last evaluated: 2017-03-06. Review status: criteria provided, single submitter. Criteria: GeneDx Variant Classification (06012015). Collection method: clinical testing. Allele origin: germline. Affected: yes.
Comment: The P242L variant in the EIF2B4 gene has been reported previously, using alternate nomenclature P243L, in individuals with leukodystrophy with vanishing white matter when present in the homozygous state (Fogli et al., 2004). The P242L variant is not observed at a significant frequency in large population cohorts (Lek et al., 2016; 1000 Genomes Consortium et al., 2015; Exome Variant Server). The P242L variant is a semi-conservative amino acid substitution, which may impact secondary protein structure as these residues differ in some properties. This substitution occurs at a position that is conserved across species. In silico analysis predicts this variant is probably damaging to the protein structure/function. The P242L variant is a strong candidate for a pathogenic variant, however the possibility it may be a rare benign variant cannot be excluded.

Literature cited by the submitters: PubMed 15136673 (cited by 3 submitters); PubMed 32071834 (cited by Labcorp Genetics (formerly Invitae), Labcorp and Victorian Clinical Genetics Services, Murdoch Childrens Research Institute); PubMed 39139316 (cited by Labcorp Genetics (formerly Invitae), Labcorp); PubMed 20016818 (cited by 3 submitters); PubMed 18263758 (cited by Women's Health and Genetics/Laboratory Corporation of America, LabCorp); PubMed 15507143 (cited by Women's Health and Genetics/Laboratory Corporation of America, LabCorp); PubMed 33432707 (cited by Women's Health and Genetics/Laboratory Corporation of America, LabCorp); PubMed 16998732 (cited by Victorian Clinical Genetics Services, Murdoch Childrens Research Institute); PubMed 35389136 (cited by Victorian Clinical Genetics Services, Murdoch Childrens Research Institute).